The following is an entry in ClinVar:

NM_000057.4(BLM):c.2498C>G (p.Ala833Gly)

Gene: BLM (BLM RecQ like helicase; plus strand). Cytogenetic location: 15q26.1.
Variant type: single nucleotide variant.
Coding change: c.2498C>G on transcript NM_000057.4 (MANE Select); coding-DNA position 2498, C replaced by G.
Protein change: p.Ala833Gly; replaces alanine 833 with glycine.
Molecular consequence: missense variant.
Genome position (GRCh38, 1-based): chr15:90,769,529, C>G. VCF-style: chr15-90769529-C-G. GRCh37 (hg19) VCF-style: chr15-91312759-C-G.
Other names: c.2498C>G, p.Ala833Gly (NM_001287246.2, NM_001287247.2); c.1373C>G, p.Ala458Gly (NM_001287248.2); short protein forms A833G, A458G.
Identifiers: ClinVar variation 1792150 (VCV001792150.5), dbSNP rs2505456977, ClinGen allele CA393845448.
Genomic context (GRCh38, chr15:90,769,529, plus strand): 5'-GAATGAATATGCTTCGCCAGAAGTTTCCTTCTGTTCCGGTGATGGCTCTTACGGCCACAG[C>G]TAATCCCAGGGTACAGAAGGACATCCTGACTCAGCTGAAGATTCTCAGACCTCAGGTGTA-3'
Protein context (NP_000048.1, residues 823-843): SVPVMALTAT[Ala833Gly]NPRVQKDILT

ClinVar aggregate classification (germline): Uncertain significance. Review status: criteria provided, multiple submitters, no conflicts (2 of 4 stars). 2 submissions from 2 submitters: Uncertain significance (2). Last evaluated 2024-04-15.

Conditions:
Hereditary cancer-predisposing syndrome. Also called: Hereditary Cancer Syndrome; Hereditary neoplastic syndrome; Tumor predisposition; Neoplastic Syndromes, Hereditary. Identifiers: Orphanet 140162, MedGen C0027672, MeSH D009386, MONDO:0015356.
Bloom syndrome (BLM). Also called: Bloom-Torre-Machacek syndrome. Identifiers: Orphanet 125, MedGen C0005859, MONDO:0008876, OMIM 210900.

Submissions (2):

Labcorp Genetics (formerly Invitae), Labcorp
Classification: Uncertain significance for Bloom syndrome. Last evaluated: 2024-04-15. Review status: criteria provided, single submitter. Criteria: Invitae Variant Classification Sherloc (09022015). Collection method: clinical testing. Allele origin: germline.
Comment: This sequence change replaces alanine, which is neutral and non-polar, with glycine, which is neutral and non-polar, at codon 833 of the BLM protein (p.Ala833Gly). This variant is not present in population databases (gnomAD no frequency). This variant has not been reported in the literature in individuals affected with BLM-related conditions. ClinVar contains an entry for this variant (Variation ID: 1792150). Advanced modeling of protein sequence and biophysical properties (such as structural, functional, and spatial information, amino acid conservation, physicochemical variation, residue mobility, and thermodynamic stability) performed at Invitae indicates that this missense variant is expected to disrupt BLM protein function with a positive predictive value of 80%. Algorithms developed to predict the effect of sequence changes on RNA splicing suggest that this variant may create or strengthen a splice site. In summary, the available evidence is currently insufficient to determine the role of this variant in disease. Therefore, it has been classified as a Variant of Uncertain Significance.

Ambry Genetics
Classification: Uncertain significance for Hereditary cancer-predisposing syndrome. Last evaluated: 2022-10-31. Review status: criteria provided, single submitter. Criteria: Ambry Variant Classification Scheme 2023. Collection method: clinical testing. Allele origin: germline.
Comment: The p.A833G variant (also known as c.2498C>G), located in coding exon 11 of the BLM gene, results from a C to G substitution at nucleotide position 2498. The alanine at codon 833 is replaced by glycine, an amino acid with similar properties. This amino acid position is highly conserved in available vertebrate species. In addition, the in silico prediction for this alteration is inconclusive. Since supporting evidence is limited at this time, the clinical significance of this alteration remains unclear.